The following is an entry in ClinVar:

ClinVar aggregate classification (germline): Pathogenic (1 of 4 stars; one submission).

Submission:

Labcorp Genetics (formerly Invitae), Labcorp
Classification: Pathogenic. Last evaluated: 2022-11-02. Review status: criteria provided, single submitter. Criteria: Invitae Variant Classification Sherloc (09022015). Collection method: clinical testing. Allele origin: germline.
Comment: For these reasons, this variant has been classified as Pathogenic. ClinVar contains an entry for this variant (Variation ID: 648027). This variant has not been reported in the literature in individuals affected with MSH3-related conditions. This variant is not present in population databases (gnomAD no frequency). This sequence change creates a premature translational stop signal (p.Tyr236*) in the MSH3 gene. It is expected to result in an absent or disrupted protein product. Loss-of-function variants in MSH3 are known to be pathogenic (PMID: 27476653).

Literature cited by the submitters: PubMed 27476653.

NM_002439.5(MSH3):c.708C>G (p.Tyr236Ter)

Gene: MSH3 (mutS homolog 3; plus strand). Cytogenetic location: 5q14.1.
Variant type: single nucleotide variant.
Coding change: c.708C>G on transcript NM_002439.5 (MANE Select); coding-DNA position 708, C replaced by G.
Protein change: p.Tyr236Ter; replaces tyrosine 236 with a stop codon.
Molecular consequence: nonsense.
Genome position (GRCh38, 1-based): chr5:80,670,225, C>G. VCF-style: chr5-80670225-C-G. GRCh37 (hg19) VCF-style: chr5-79966044-C-G.
Other names: short protein forms Y236*.
Identifiers: ClinVar variation 648027 (VCV000648027.8), dbSNP rs1580550290, ClinGen allele CA360266839.